The following is an entry in ClinVar:

ClinVar aggregate classification (germline): Benign/Likely benign. Review status: criteria provided, multiple submitters, no conflicts (2 of 4 stars). 4 submissions from 4 submitters: Benign (1); Likely benign (3). Last evaluated 2025-08-23.

Conditions:
Hereditary cancer-predisposing syndrome. Also called: Tumor predisposition; Hereditary neoplastic syndrome; Neoplastic Syndromes, Hereditary; Hereditary Cancer Syndrome. Identifiers: Orphanet 140162, MedGen C0027672, MeSH D009386, MONDO:0015356.
Melanoma, cutaneous malignant, susceptibility to, 3. Also called: Cutaneous malignant melanoma 3. Identifiers: Orphanet 618, MedGen C1836892, MONDO:0012183, OMIM 609048.
Familial melanoma. Also called: Hereditary melanoma; Hereditary cutaneous melanoma. Identifiers: Orphanet 618, MedGen C1512419, MONDO:0018961.

Allele frequency attached by ClinVar (database versions not stated): gnomAD exomes 0.00001.
gnomAD v4.1: 5 of 1,614,140 alleles (0.00031%); highest among the groups gnomAD compares: Non-Finnish European, 0.00042%; no homozygotes.

Submissions (4):

Ambry Genetics
Classification: Likely benign for Hereditary cancer-predisposing syndrome. Last evaluated: 2025-08-23. Review status: criteria provided, single submitter. Criteria: Ambry Variant Classification Scheme 2023. Collection method: clinical testing. Allele origin: germline.

Labcorp Genetics (formerly Invitae), Labcorp
Classification: Likely benign for Familial melanoma. Last evaluated: 2025-02-15. Review status: criteria provided, single submitter. Criteria: Invitae Variant Classification Sherloc (09022015). Collection method: clinical testing. Allele origin: germline.

Myriad Genetics, Inc.
Classification: Benign for Melanoma, cutaneous malignant, susceptibility to, 3. Last evaluated: 2024-09-25. Review status: criteria provided, single submitter. Criteria: Myriad Autosomal Dominant, Autosomal Recessive and X-Linked Classification Criteria (2023). Collection method: clinical testing. Allele origin: unknown.
Comment: This variant is considered benign. This variant is a silent/synonymous amino acid change and it is not expected to impact splicing.

GeneDx
Classification: Likely benign. Last evaluated: 2017-03-15. Review status: criteria provided, single submitter. Criteria: GeneDx Variant Classification (06012015). Collection method: clinical testing. Allele origin: germline. Affected: yes.
Comment: This variant is considered likely benign or benign based on one or more of the following criteria: it is a conservative change, it occurs at a poorly conserved position in the protein, it is predicted to be benign by multiple in silico algorithms, and/or has population frequency not consistent with disease.

NM_000075.4(CDK4):c.261C>A (p.Ile87=)

Gene: CDK4 (cyclin dependent kinase 4; minus strand). Cytogenetic location: 12q14.1.
Variant type: single nucleotide variant.
Coding change: c.261C>A on transcript NM_000075.4 (MANE Select); coding-DNA position 261, C replaced by A.
Protein change: p.Ile87=; no amino-acid change (isoleucine 87 retained).
Molecular consequence: synonymous variant.
Genome position (GRCh38, 1-based): chr12:57,751,300, G>T on the plus strand (C>A on the coding strand, the complement: CDK4 is on the minus strand). VCF-style: chr12-57751300-G-T. GRCh37 (hg19) VCF-style: chr12-58145083-G-T.
Other names: c.261C>A (LRG_490t1, NM_000075.3).
Identifiers: ClinVar variation 517813 (VCV000517813.11), dbSNP rs779482890, ClinGen allele CA480404603.